The following is an entry in ClinVar:

NM_001365951.3(KIF1B):c.1612A>G (p.Asn538Asp)

Gene: KIF1B (kinesin family member 1B; plus strand). Cytogenetic location: 1p36.22.
Variant type: single nucleotide variant.
Coding change: c.1612A>G on transcript NM_001365951.3 (MANE Select); coding-DNA position 1612, A replaced by G.
Protein change: p.Asn538Asp; replaces asparagine 538 with aspartic acid.
Molecular consequence: missense variant.
Genome position (GRCh38, 1-based): chr1:10,295,107, A>G. VCF-style: chr1-10295107-A-G. GRCh37 (hg19) VCF-style: chr1-10355165-A-G.
Other names: c.1612A>G, p.Asn538Asp (NM_001365952.1); c.1474A>G, p.Asn492Asp (NM_001365953.1, NM_015074.3, NM_183416.4); short protein forms N538D, N492D.
Identifiers: ClinVar variation 666178 (VCV000666178.8), dbSNP rs1569742672, ClinGen allele CA338314373.
Genomic context (GRCh38, chr1:10,295,107, plus strand): 5'-GTGCCCTGCTCCAAATTGATCATCTGTAATCTTTTTCAGACCCCACATCTTGTTAACCTC[A>G]ATGAAGACCCACTAATGTCTGAGTGCCTACTTTATTACATCAAAGATGGAATTACAAGGT-3'
Protein context (NP_001352880.1, residues 528-548): PKKTPHLVNL[Asn538Asp]EDPLMSECLL

ClinVar aggregate classification (germline): Uncertain significance (1 of 4 stars; one submission).

Conditions:
Charcot-Marie-Tooth disease type 2. Also called: Charcot-Marie-Tooth type 2. Identifiers: Orphanet 64746, MedGen C0270914, MONDO:0018993.

Submission:

Labcorp Genetics (formerly Invitae), Labcorp
Classification: Uncertain significance for Charcot-Marie-Tooth disease type 2. Last evaluated: 2018-07-12. Review status: criteria provided, single submitter. Criteria: Invitae Variant Classification Sherloc (09022015). Collection method: clinical testing. Allele origin: germline.
Comment: In summary, the available evidence is currently insufficient to determine the role of this variant in disease. Therefore, it has been classified as a Variant of Uncertain Significance. Algorithms developed to predict the effect of missense changes on protein structure and function are either unavailable or do not agree on the potential impact of this missense change (SIFT: "Tolerated"; PolyPhen-2: "Probably Damaging"; Align-GVGD: "Class C0"). This variant has not been reported in the literature in individuals with KIF1B-related disease. This variant is not present in population databases (ExAC no frequency). This sequence change replaces asparagine with aspartic acid at codon 492 of the KIF1B protein (p.Asn492Asp). The asparagine residue is highly conserved and there is a small physicochemical difference between asparagine and aspartic acid.